The following is an entry in ClinVar:

NM_003126.4(SPTA1):c.6549-4C>G

Gene: SPTA1 (spectrin alpha, erythrocytic 1; minus strand). Cytogenetic location: 1q23.1.
Variant type: single nucleotide variant.
Coding change: c.6549-4C>G on transcript NM_003126.4 (MANE Select); 4 bases into the intron before coding-DNA position 6549, C replaced by G.
Molecular consequence: intron variant.
Genome position (GRCh38, 1-based): chr1:158,617,592, G>C on the plus strand (C>G on the coding strand, the complement: SPTA1 is on the minus strand). VCF-style: chr1-158617592-G-C. GRCh37 (hg19) VCF-style: chr1-158587382-G-C.
Other names: p.?.
Identifiers: ClinVar variation 292950 (VCV000292950.12), dbSNP rs199640503, ClinGen allele CA1181928.
Genomic context (GRCh38, chr1:158,617,592, plus strand): 5'-CTTACTTTATTTGCTTCCAGCTGAGATTCCAGAGTTCCTGTTTCTTTGAGCAATGATCTA[G>C]TTAAGAACCGAAGGAAATCATTATGCATCACATCACAGGTCAATATTTCATACATGCATA-3'

ClinVar aggregate classification (germline): Conflicting classifications of pathogenicity. Review status: criteria provided, conflicting classifications (1 of 4 stars). 8 submissions from 6 submitters: Uncertain significance (7); Likely benign (1). Last evaluated 2025-12-18.

Conditions:
Hereditary spherocytosis type 3. Also called: SPTA1-Related Spherocytosis; Spherocytosis type 3. Identifiers: Orphanet 822, MedGen C2678338, MONDO:0010053, OMIM 270970.
Pyropoikilocytosis, hereditary. Also called: Pyropoikilocytosis. Identifiers: MedGen C0520739, MONDO:0009948, OMIM 266140, HP:0004839. Disease mechanism: loss of function.
Elliptocytosis 2 (EL2). Also called: ELLIPTOCYTOSIS, RHESUS-UNLINKED TYPE. Identifiers: Orphanet 288, MedGen C1851741, MONDO:0007533, OMIM 130600.

Allele frequency attached by ClinVar (database versions not stated): gnomAD 0.00024 and 0.00026; TOPMed 0.00024; ESP Exome Variant Server 0.00033; 1000 Genomes Project 30x 0.00078; 1000 Genomes Project 0.00080.
gnomAD v4.1: 808 of 1,611,812 alleles (0.05%); highest among the groups gnomAD compares: Non-Finnish European, 0.066%; no homozygotes.

Submissions (9):

Labcorp Genetics (formerly Invitae), Labcorp
Classification: Likely benign. Last evaluated: 2025-12-18. Review status: criteria provided, single submitter. Criteria: Invitae Variant Classification Sherloc (09022015). Collection method: clinical testing. Allele origin: germline.

Mayo Clinic Laboratories, Mayo Clinic
Classification: Uncertain significance. Last evaluated: 2025-01-16. Review status: criteria provided, single submitter. Criteria: ACMG Guidelines, 2015. Collection method: clinical testing. Allele origin: germline. Observed: 2 variant alleles.
Comment: BP5, PM2_moderate

Revvity Omics, Revvity
Classification: Uncertain significance. Last evaluated: 2024-12-26. Review status: criteria provided, single submitter. Criteria: ACMG Guidelines, 2015. Collection method: clinical testing. Allele origin: germline.

Blueprint Genetics
Classification: Uncertain significance. Last evaluated: 2024-10-02. Review status: criteria provided, single submitter. Criteria: ACMG Guidelines, 2015. Collection method: clinical testing. Allele origin: germline.

ARUP Laboratories, Molecular Genetics and Genomics, ARUP Laboratories
Classification: Uncertain significance. Last evaluated: 2024-08-15. Review status: criteria provided, single submitter. Criteria: ARUP Molecular Germline Variant Investigation Process 2024. Collection method: clinical testing. Allele origin: germline.
Comment: The SPTA1 c.6549-4C>G variant (rs199640503, ClinVar Variation ID 292950) is reported in an individual with hereditary spherocytosis who had a concurrent damaging variant in SPTB (Glenthoj 2021). This variant is found in the general population with an overall allele frequency of 0.024% (68/280476 alleles) in the Genome Aggregation Database (v2.1.1). This is an intronic variant and computational analyses (Alamut Visual Plus v.1.5.1) predict that this variant may impact splicing by weakening the nearby canonical acceptor splice site. Due to limited information, the clinical significance of this variant is uncertain at this time. References: Glenthoj A et al. Facilitating EMA binding test performance using fluorescent beads combined with next-generation sequencing. EJHaem. 2021 Nov. PMID: 35845192.

Illumina Laboratory Services, Illumina
Classification: Uncertain significance for Hereditary spherocytosis type 3. Last evaluated: 2018-01-13. Review status: criteria provided, single submitter. Criteria: ICSL Variant Classification Criteria 13 December 2019. Collection method: clinical testing. Allele origin: germline.

Illumina Laboratory Services, Illumina
Classification: Uncertain significance for Pyropoikilocytosis, hereditary. Last evaluated: 2018-01-13. Review status: criteria provided, single submitter. Criteria: ICSL Variant Classification Criteria 13 December 2019. Collection method: clinical testing. Allele origin: germline.

Illumina Laboratory Services, Illumina
Classification: Uncertain significance for Elliptocytosis 2. Last evaluated: 2018-01-13. Review status: criteria provided, single submitter. Criteria: ICSL Variant Classification Criteria 13 December 2019. Collection method: clinical testing. Allele origin: germline.

Dr. Peter K. Rogan Lab, Western University
No classification provided (evidence only). Condition: Acute myeloid leukemia. Review status: no classification provided. Collection method: in vitro. Allele origin: not applicable. Functional consequence: retained intron. Not counted in ClinVar's aggregate classification.

Literature cited by the submitters: PubMed 35845192 (cited by Mayo Clinic Laboratories, Mayo Clinic).